The following is an entry in ClinVar:

NM_001131016.2(CIZ1):c.1611G>T (p.Glu537Asp)

Gene: CIZ1 (CDKN1A interacting zinc finger protein 1; minus strand). Cytogenetic location: 9q34.11.
Variant type: single nucleotide variant.
Coding change: c.1611G>T on transcript NM_001131016.2 (MANE Select); coding-DNA position 1611, G replaced by T.
Protein change: p.Glu537Asp; replaces glutamic acid 537 with aspartic acid.
Molecular consequence: missense variant.
Genome position (GRCh38, 1-based): chr9:128,178,378, C>A on the plus strand (G>T on the coding strand, the complement: CIZ1 is on the minus strand). VCF-style: chr9-128178378-C-A. GRCh37 (hg19) VCF-style: chr9-130940657-C-A.
Other names: c.1443G>T, p.Glu481Asp (NM_001131015.2); c.1428G>T, p.Glu476Asp (NM_001131017.2); c.1371G>T, p.Glu457Asp (NM_001131018.2); c.1701G>T, p.Glu567Asp (NM_001257975.2); c.1308G>T, p.Glu436Asp (NM_001257976.2); c.1611G>T, p.Glu537Asp (NM_012127.3); short protein forms E436D, E457D, E476D, E481D, E537D, E567D.
Identifiers: ClinVar variation 1063614 (VCV001063614.9), dbSNP rs971527949, ClinGen allele CA200382316.

ClinVar aggregate classification (germline): Uncertain significance (1 of 4 stars; one submission).

Conditions:
Dystonic disorder. Also called: Dystonia. Identifiers: MedGen C0013421, MONDO:0003441, HP:0001332.

Allele frequency attached by ClinVar (database versions not stated): gnomAD 0.00001; gnomAD exomes 0.00001 and 0.00002; TOPMed 0.00001.

Submission:

Labcorp Genetics (formerly Invitae), Labcorp
Classification: Uncertain significance for Dystonic disorder. Last evaluated: 2018-06-21. Review status: criteria provided, single submitter. Criteria: Invitae Variant Classification Sherloc (09022015). Collection method: clinical testing. Allele origin: germline.
Comment: In summary, the available evidence is currently insufficient to determine the role of this variant in disease. Therefore, it has been classified as a Variant of Uncertain Significance. Algorithms developed to predict the effect of missense changes on protein structure and function (SIFT, PolyPhen-2, Align-GVGD) all suggest that this variant is likely to be disruptive, but these predictions have not been confirmed by published functional studies and their clinical significance is uncertain. This variant has not been reported in the literature in individuals with CIZ1-related disease. This variant is not present in population databases (ExAC no frequency). This sequence change replaces glutamic acid with aspartic acid at codon 537 of the CIZ1 protein (p.Glu537Asp). The glutamic acid residue is highly conserved and there is a small physicochemical difference between glutamic acid and aspartic acid.